The following is an entry in ClinVar:

NM_000240.4(MAOA):c.1183A>T (p.Lys395Ter)

Gene: MAOA (monoamine oxidase A; plus strand). Cytogenetic location: Xp11.3.
Variant type: single nucleotide variant.
Coding change: c.1183A>T on transcript NM_000240.4 (MANE Select); coding-DNA position 1183, A replaced by T.
Protein change: p.Lys395Ter; replaces lysine 395 with a stop codon.
Molecular consequence: nonsense.
Genome position (GRCh38, 1-based): chrX:43,741,968, A>T. VCF-style: chrX-43741968-A-T. GRCh37 (hg19) VCF-style: chrX-43601215-A-T.
Other names: c.784A>T, p.Lys262Ter (NM_001270458.2); short protein forms K262*, K395*.
Identifiers: ClinVar variation 4624227 (VCV004624227.1).

ClinVar aggregate classification (germline): Pathogenic (1 of 4 stars; one submission).

Conditions:
Inborn genetic diseases. Identifiers: MedGen C0950123, MeSH D030342.

Submission:

Ambry Genetics
Classification: Pathogenic for Inborn genetic diseases. Last evaluated: 2025-11-04. Review status: criteria provided, single submitter. Criteria: Ambry Variant Classification Scheme 2023. Collection method: clinical testing. Allele origin: germline.
Comment: The c.1183A>T (p.K395*) alteration, located in exon 12 (coding exon 12) of the MAOA gene, consists of a A to T substitution at nucleotide position 1183. This changes the amino acid from a lysine (K) to a stop codon at amino acid position 395. This alteration is expected to result in loss of function by premature protein truncation or nonsense-mediated mRNA decay. This variant was not reported in population-based cohorts in the Genome Aggregation Database (gnomAD). Based on the available evidence, this alteration is classified as pathogenic.